The following is an entry in ClinVar:

NM_024312.5(GNPTAB):c.1057C>T (p.Gln353Ter)

Gene: GNPTAB (N-acetylglucosamine-1-phosphate transferase subunits alpha and beta; minus strand). Cytogenetic location: 12q23.2.
Variant type: single nucleotide variant.
Coding change: c.1057C>T on transcript NM_024312.5 (MANE Select); coding-DNA position 1057, C replaced by T.
Protein change: p.Gln353Ter; replaces glutamine 353 with a stop codon.
Molecular consequence: nonsense.
Genome position (GRCh38, 1-based): chr12:101,770,462, G>A on the plus strand (C>T on the coding strand, the complement: GNPTAB is on the minus strand). VCF-style: chr12-101770462-G-A. GRCh37 (hg19) VCF-style: chr12-102164240-G-A.
Other names: short protein forms Q353*.
Identifiers: ClinVar variation 4816134 (VCV004816134.2).

ClinVar aggregate classification (germline): Pathogenic/Likely pathogenic. Review status: criteria provided, multiple submitters, no conflicts (2 of 4 stars). 2 submissions from 2 submitters: Pathogenic (1); Likely pathogenic (1). Last evaluated 2024-06-13.

Conditions:
GNPTAB-mucolipidosis. Also called: UDP-N-acetylglucosamine-1-phosphotransferase subunit alpha/beta deficiency. Identifiers: MedGen CN322573, MONDO:0100122.
Mucolipidosis type II. Also called: ML II ALPHA/BETA; Mucolipidosis II Alpha/Beta; Mucolipidosis 2; ML 2; Inclusion cell disease; Leroy Disease. Identifiers: Orphanet 576, MedGen C2673377, MONDO:0009650, OMIM 252500.

Submissions (2):

Natera, Inc.
Classification: Likely pathogenic for Mucolipidosis type II. Last evaluated: 2024-06-13. Review status: criteria provided, single submitter. Criteria: Natera Variant Classification Schema (03/2026). Collection method: clinical testing. Allele origin: germline.
Comment: The c.1057C>T variant in GNPTAB is a nonsense variant predicted to introduce a stop codon at amino acid 353. This variant is expected to result in nonsense mediated decay, truncation, or a dysfunctional protein product. This variant is rare in the general population with a frequency below the threshold expected for the associated phenotype(s). Given the available evidence, this variant is classified as Likely Pathogenic.

Myriad Genetics, Inc.
Classification: Pathogenic for GNPTAB-mucolipidosis. Last evaluated: 2023-12-10. Review status: criteria provided, single submitter. Criteria: Myriad Autosomal Dominant, Autosomal Recessive and X-Linked Classification Criteria (2023). Collection method: clinical testing. Allele origin: unknown.
Comment: NM_024312.4(GNPTAB):c.1057C>T(Q353*) is expected to be pathogenic in the context of GNPTAB-related disorders. This variant is predicted to lead to an abnormal or absent protein product due to the creation of a premature termination codon in GNPTAB, a gene where loss-of-function variants are known to be pathogenic. Please note: this variant was assessed in the context of healthy population screening.